The following is an entry in ClinVar:

ClinVar aggregate classification (germline): Pathogenic. Review status: criteria provided, multiple submitters, no conflicts (2 of 4 stars). 3 submissions from 3 submitters: Pathogenic (3). Last evaluated 2025-03-21.

Conditions:
Multiple mitochondrial dysfunctions syndrome 1 (MMDS1). Identifiers: Orphanet 401869, MedGen C3276432, MONDO:0011582, OMIM 605711.
Spastic paraplegia 93, autosomal recessive. Identifiers: MedGen C5975375, MONDO:0975796, OMIM 620938.

Allele frequency attached by ClinVar (database versions not stated): ExAC 0.00001; gnomAD 0.00001; gnomAD exomes 0.00001 and 0.00002.
gnomAD v4.1: 15 of 1,574,370 alleles (0.00095%); highest among the groups gnomAD compares: Admixed American, 0.0033%; no homozygotes.

Submissions (4):

First Genomix Gene Laboratory, Genetic Diagnostics Department
Classification: Pathogenic for Multiple mitochondrial dysfunctions syndrome 1; Spastic paraplegia 93, autosomal recessive. Last evaluated: 2025-03-21. Review status: criteria provided, single submitter. Criteria: ACMG Guidelines, 2015. Collection method: clinical testing. Allele origin: germline. Inheritance: Autosomal recessive inheritance. Affected: no. Observed: 1 variant allele.

GeneDx
Classification: Pathogenic. Last evaluated: 2022-04-26. Review status: criteria provided, single submitter. Criteria: GeneDx Variant Classification Process June 2021. Collection method: clinical testing. Allele origin: germline. Affected: yes.
Comment: Published functional studies demonstrate that this variant causes aberrant splicing (Navarro-Sastre et al., 2011); Not observed at significant frequency in large population cohorts (gnomAD); This variant is associated with the following publications: (PMID: 31589614, 26688339, 22077971, 28470589)

Institute of Human Genetics Munich, TUM University Hospital
Classification: Pathogenic for Multiple mitochondrial dysfunctions syndrome 1. Last evaluated: 2017-12-07. Review status: criteria provided, single submitter. Criteria: Classification criteria August 2017. Collection method: clinical testing. Allele origin: germline. Inheritance: Autosomal recessive inheritance. Affected: yes. Observed: 1 compound heterozygote.

Dr. Peter K. Rogan Lab, Western University
No classification provided (evidence only). Condition: Familial cancer of breast. Review status: no classification provided. Collection method: in vitro. Allele origin: not applicable. Functional consequence: skipped exon. Not counted in ClinVar's aggregate classification.

NM_001002755.4(NFU1):c.545+5G>A

Gene: NFU1 (NFU1 iron-sulfur cluster scaffold; minus strand). Cytogenetic location: 2p13.3.
Variant type: single nucleotide variant.
Coding change: c.545+5G>A on transcript NM_001002755.4 (MANE Select); 5 bases into the intron after coding-DNA position 545, G replaced by A.
Molecular consequence: intron variant.
Genome position (GRCh38, 1-based): chr2:69,406,017, C>T on the plus strand (G>A on the coding strand, the complement: NFU1 is on the minus strand). VCF-style: chr2-69406017-C-T. GRCh37 (hg19) VCF-style: chr2-69633149-C-T.
Other names: NC_000002.11:g.69633149C>T; c.473+5G>A (NM_015700.4, NM_001374284.1); c.122+5G>A (NM_001002756.2).
Identifiers: ClinVar variation 488563 (VCV000488563.7), dbSNP rs756085990, ClinGen allele CA1694141.
Genomic context (GRCh38, chr2:69,406,017, plus strand): 5'-CTATATTGCTATAATGAAAAATGCCTCCAAAGCACTTGAATTCAGGTAGAGAGAGGAGCA[C>T]GTACCGTATTCTAGTATCTAACAATTCCTTAATCATTGCCACAACTTCATCATCTTCTTC-3'